The following is an entry in ClinVar:

ClinVar aggregate classification (germline): Pathogenic. Review status: criteria provided, multiple submitters, no conflicts (2 of 4 stars). 2 submissions from 2 submitters: Pathogenic (2). Last evaluated 2025-08-01.

Conditions:
Hereditary spastic paraplegia 4. Also called: Spastic Paraplegia 4; Spastic paraplegia 4, autosomal dominant; Familial spastic paraplegia autosomal dominant 2. Identifiers: Orphanet 100985, MedGen C1866855, MONDO:0008438, OMIM 182601.

Submissions (2):

Neurology Department, Peking University First Hospital
Classification: Pathogenic for hereditary spastic paraplegia type 4. Last evaluated: 2025-08-01. Review status: criteria provided, single submitter. Criteria: ACMG Guidelines, 2015. Collection method: clinical testing. Allele origin: germline. Inheritance: Autosomal dominant inheritance. Affected: yes. Observed: 1 heterozygote.
Comment: The c.1579delA variant in SPAST segregates with SPG4 in a large autosomal dominant family, and is absent from large population studies.

Athena Diagnostics
Classification: Pathogenic. Last evaluated: 2023-04-27. Review status: criteria provided, single submitter. Criteria: Athena Diagnostics Criteria. Collection method: clinical testing. Allele origin: unknown.
Comment: This variant is expected to result in the loss of a functional protein. This variant has been identified in at least one individual with clinical features associated with this gene. This variant has not been reported in large, multi-ethnic general populations.

NM_014946.4(SPAST):c.1579del (p.Ser527fs)

Gene: SPAST (spastin; plus strand). Cytogenetic location: 2p22.3.
Variant type: Deletion.
Coding change: c.1579del on transcript NM_014946.4 (MANE Select); coding-DNA position 1579, one base deleted (A; older notation c.1579delA).
Protein change: p.Ser527fs; shifts the reading frame from serine 527.
Molecular consequence: frameshift variant.
Genome position (GRCh38, 1-based): chr2:32,143,378, A deleted; the last of 2 consecutive A bases (chr2:32,143,377-32,143,378); deleting either gives the same sequence. VCF-style (leftmost placement, unchanged base first): chr2-32143376-GA-G. GRCh37 (hg19) VCF-style: chr2-32368445-GA-G.
Other names: c.1576del, p.Ser526fs (NM_001363823.2); c.1480del, p.Ser494fs (NM_001363875.2); c.1483del, p.Ser495fs (NM_001377959.1, NM_199436.2); c.1579delA, p.Ser527Valfs (NM_014946.3); c.1579delA (NM_014946.4); short protein forms S494fs, S495fs, S526fs, S527fs.
Identifiers: ClinVar variation 2684012 (VCV002684012.2), dbSNP rs2465903259, ClinGen allele CA2697547986.
Genomic context (GRCh38, chr2:32,143,376, plus strand): 5'-CATTTTTTAATATTTTTCAGACAAGACTACTTTTGCTTAAAAATCTGTTATGTAAACAAG[GA>G]AGTCCATTGACCCAAAAAGAACTAGCACAACTTGCTAGGTGAGTAATTTGGATTTGGTTT-3'